The following is an entry in ClinVar:

NM_017777.4(MKS1):c.1128G>A (p.Thr376=)

Gene: MKS1 (MKS transition zone complex subunit 1; minus strand). Cytogenetic location: 17q22.
Variant type: single nucleotide variant.
Coding change: c.1128G>A on transcript NM_017777.4 (MANE Select); coding-DNA position 1128, G replaced by A.
Protein change: p.Thr376=; no amino-acid change (threonine 376 retained).
Molecular consequence: synonymous variant.
Genome position (GRCh38, 1-based): chr17:58,208,142, C>T on the plus strand (G>A on the coding strand, the complement: MKS1 is on the minus strand). VCF-style: chr17-58208142-C-T. GRCh37 (hg19) VCF-style: chr17-56285503-C-T.
Other names: c.519G>A, p.Thr173= (NM_001321268.2); c.1128G>A, p.Thr376= (NM_001321269.2, NM_001330397.2).
Identifiers: ClinVar variation 387302 (VCV000387302.20), dbSNP rs369141016, ClinGen allele CA8669254.

ClinVar aggregate classification (germline): Conflicting classifications of pathogenicity. Review status: criteria provided, conflicting classifications (1 of 4 stars). 7 submissions from 7 submitters: Uncertain significance (1); Likely benign (3). 3 of the submissions do not count toward it. Last evaluated 2026-01-28.

Conditions:
Meckel-Gruber syndrome. Also called: GRUBER SYNDROME; Dysencephalia splachnocystica; DYSENCEPHALIA SPLANCHNOCYSTICA. Identifiers: Orphanet 564, MedGen C0265215, MONDO:0018921.
Joubert syndrome. Also called: JOUBERT-BOLTSHAUSER SYNDROME; Familial aplasia of the vermis. Identifiers: Orphanet 475, MedGen C5979921, MONDO:0018772.
MKS1-related disorder. Also called: MKS1-related condition; MKS1-related disorders. Identifiers: MedGen CN239382.

Allele frequency attached by ClinVar (database versions not stated): gnomAD exomes 0.00005 and 0.00008; TOPMed 0.00006; ExAC 0.00009; gnomAD 0.00013; ESP Exome Variant Server 0.00016.

Submissions (7):

Labcorp Genetics (formerly Invitae), Labcorp
Classification: Likely benign for Joubert syndrome; Meckel-Gruber syndrome. Last evaluated: 2026-01-28. Review status: criteria provided, single submitter. Criteria: Invitae Variant Classification Sherloc (09022015). Collection method: clinical testing. Allele origin: germline.

Blueprint Genetics
Classification: Likely benign. Last evaluated: 2024-04-30. Review status: criteria provided, single submitter. Criteria: ACMG Guidelines, 2015. Collection method: clinical testing. Allele origin: germline.

Eurofins Ntd Llc (ga)
Classification: Uncertain significance. Last evaluated: 2018-06-29. Review status: criteria provided, single submitter. Criteria: EGL ClinVar v180209 classification definitions. Collection method: clinical testing. Allele origin: germline. Observed: 4 variant alleles, 4 heterozygotes.

GeneDx
Classification: Likely benign. Last evaluated: 2016-07-06. Review status: criteria provided, single submitter. Criteria: GeneDx Variant Classification (06012015). Collection method: clinical testing. Allele origin: germline. Affected: yes.
Comment: This variant is considered likely benign or benign based on one or more of the following criteria: it is a conservative change, it occurs at a poorly conserved position in the protein, it is predicted to be benign by multiple in silico algorithms, and/or has population frequency not consistent with disease.

PreventionGenetics, part of Exact Sciences
Classification: Likely benign for MKS1-related condition. Last evaluated: 2019-09-18. Review status: no assertion criteria provided. Collection method: clinical testing. Allele origin: germline. Not counted in ClinVar's aggregate classification.
Comment: This variant is classified as likely benign based on ACMG/AMP sequence variant interpretation guidelines (Richards et al. 2015 PMID: 25741868, with internal and published modifications).

Clinical Genetics DNA and cytogenetics Diagnostics Lab, Erasmus MC, Erasmus Medical Center
Classification: Likely benign. Review status: no assertion criteria provided. Collection method: clinical testing. Allele origin: germline. Affected: yes. Study: VKGL Data-share Consensus. Not counted in ClinVar's aggregate classification.

Clinical Genetics, Academic Medical Center
Classification: Benign. Review status: no assertion criteria provided. Collection method: clinical testing. Allele origin: germline. Affected: yes. Study: VKGL Data-share Consensus. Not counted in ClinVar's aggregate classification.